The following is an entry in ClinVar:

NM_006348.5(COG5):c.2194C>T (p.His732Tyr)

Gene: COG5 (component of oligomeric golgi complex 5; minus strand). Cytogenetic location: 7q22.3.
Variant type: single nucleotide variant.
Coding change: c.2194C>T on transcript NM_006348.5 (MANE Select); coding-DNA position 2194, C replaced by T.
Protein change: p.His732Tyr; replaces histidine 732 with tyrosine.
Molecular consequence: missense variant. On other transcripts: intron variant (1).
Genome position (GRCh38, 1-based): chr7:107,211,200, G>A on the plus strand (C>T on the coding strand, the complement: COG5 is on the minus strand). VCF-style: chr7-107211200-G-A. GRCh37 (hg19) VCF-style: chr7-106851645-G-A.
Other names: c.2194C>T, p.His732Tyr (NM_001161520.2); c.2032C>T, p.His678Tyr (NM_001379511.1); c.2020C>T, p.His674Tyr (NM_001379512.1); c.1879C>T, p.His627Tyr (NM_001379514.1); c.1624C>T, p.His542Tyr (NM_001379515.1); c.1480C>T, p.His494Tyr (NM_001379516.1); c.2131C>T, p.His711Tyr (NM_181733.4); c.2169-7570C>T (NM_001379513.1); short protein forms H627Y, H678Y, H711Y, H674Y, H732Y, H542Y, H494Y.
Identifiers: ClinVar variation 1413608 (VCV001413608.8), dbSNP rs746743097, ClinGen allele CA164183572.

ClinVar aggregate classification (germline): Uncertain significance (1 of 4 stars; one submission).

Conditions:
COG5-congenital disorder of glycosylation. Also called: CDG IIi; CONGENITAL DISORDER OF GLYCOSYLATION, TYPE IIi; COG5-CDG. Identifiers: Orphanet 263487, MedGen C3150876, MONDO:0013325, OMIM 613612.

Allele frequency attached by ClinVar (database versions not stated): gnomAD exomes below 0.00001.
gnomAD v4.1: 2 of 1,614,040 alleles (0.00012%); highest among the groups gnomAD compares: Non-Finnish European, 0.00017%; no homozygotes.

Submission:

Labcorp Genetics (formerly Invitae), Labcorp
Classification: Uncertain significance for COG5-congenital disorder of glycosylation. Last evaluated: 2021-06-24. Review status: criteria provided, single submitter. Criteria: Invitae Variant Classification Sherloc (09022015). Collection method: clinical testing. Allele origin: germline.
Comment: This variant is not present in population databases (ExAC no frequency). In summary, the available evidence is currently insufficient to determine the role of this variant in disease. Therefore, it has been classified as a Variant of Uncertain Significance. Algorithms developed to predict the effect of missense changes on protein structure and function are either unavailable or do not agree on the potential impact of this missense change (SIFT: "Tolerated"; PolyPhen-2: "Possibly Damaging"; Align-GVGD: "Class C0"). This variant has not been reported in the literature in individuals with COG5-related conditions. This sequence change replaces histidine with tyrosine at codon 763 of the COG5 protein (p.His763Tyr). The histidine residue is moderately conserved and there is a moderate physicochemical difference between histidine and tyrosine.